The following is an entry in ClinVar:

NM_000553.6(WRN):c.22A>G (p.Thr8Ala)

Gene: WRN (WRN RecQ like helicase; plus strand). Cytogenetic location: 8p12.
Variant type: single nucleotide variant.
Coding change: c.22A>G on transcript NM_000553.6 (MANE Select); coding-DNA position 22, A replaced by G.
Protein change: p.Thr8Ala; replaces threonine 8 with alanine.
Molecular consequence: missense variant.
Genome position (GRCh38, 1-based): chr8:31,058,469, A>G. VCF-style: chr8-31058469-A-G. GRCh37 (hg19) VCF-style: chr8-30915985-A-G.
Other names: short protein forms T8A.
Identifiers: ClinVar variation 4774838 (VCV004774838.1).

ClinVar aggregate classification (germline): Uncertain significance (1 of 4 stars; one submission).

Conditions:
Werner syndrome (WRN). Identifiers: Orphanet 902, MedGen C0043119, MONDO:0010196, OMIM 277700.

Submission:

Labcorp Genetics (formerly Invitae), Labcorp
Classification: Uncertain significance for Werner syndrome. Last evaluated: 2025-08-06. Review status: criteria provided, single submitter. Criteria: Invitae Variant Classification Sherloc (09022015). Collection method: clinical testing. Allele origin: germline.
Comment: This sequence change replaces threonine, which is neutral and polar, with alanine, which is neutral and non-polar, at codon 8 of the WRN protein (p.Thr8Ala). This variant is not present in population databases (gnomAD no frequency). This variant has not been reported in the literature in individuals affected with WRN-related conditions. An algorithm developed to predict the effect of missense changes on protein structure and function outputs the following: PolyPhen-2: "Benign". The alanine amino acid residue is found in multiple mammalian species, which suggests that this missense change does not adversely affect protein function. In summary, the available evidence is currently insufficient to determine the role of this variant in disease. Therefore, it has been classified as a Variant of Uncertain Significance.